The following is an entry in ClinVar:

NM_018451.5(CPAP):c.3478-49C>T

Genes: RNF17 (ring finger protein 17; plus strand), CPAP (centrosome assembly and centriole elongation protein; minus strand). Cytogenetic location: 13q12.12.
Variant type: single nucleotide variant.
Coding change: c.3478-49C>T on transcript NM_018451.5 (MANE Select); 49 bases into the intron before coding-DNA position 3478, C replaced by T.
Molecular consequence: intron variant.
Genome position (GRCh38, 1-based): chr13:24,884,512, G>A on the plus strand (C>T on the coding strand, the complement: CPAP is on the minus strand). VCF-style: chr13-24884512-G-A. GRCh37 (hg19) VCF-style: chr13-25458650-G-A.
Identifiers: ClinVar variation 158212 (VCV000158212.10), dbSNP rs1530876, ClinGen allele CA171696.

ClinVar aggregate classification (germline): Benign. Review status: criteria provided, multiple submitters, no conflicts (2 of 4 stars). 5 submissions from 4 submitters: Benign (4). 1 of the submissions does not count toward it. Last evaluated 2021-07-22.

Conditions:
Seckel syndrome 4 (SCKL4). Identifiers: Orphanet 808, MedGen C3888212, MONDO:0013358, OMIM 613676.
Microcephaly 6, primary, autosomal recessive. Identifiers: Orphanet 2512, MedGen C1842109, MONDO:0012029, OMIM 608393.

Allele frequency attached by ClinVar (database versions not stated): 1000 Genomes Project 30x 0.74532; 1000 Genomes Project 0.74820; TOPMed 0.78015; ESP Exome Variant Server 0.78210; gnomAD 0.78686 and 0.78901; ExAC 0.80662; gnomAD exomes 0.81040 and 0.82142.
gnomAD v4.1: 1,307,932 of 1,600,280 alleles (82%); highest among the groups gnomAD compares: East Asian, 86%; 536,937 homozygotes.

Submissions (5):

Genome-Nilou Lab
Classification: Benign for Seckel syndrome 4. Last evaluated: 2021-07-22. Review status: criteria provided, single submitter. Criteria: ACMG Guidelines, 2015. Collection method: clinical testing. Allele origin: germline. Affected: no.

Genome-Nilou Lab
Classification: Benign for Microcephaly 6, primary, autosomal recessive. Last evaluated: 2021-07-22. Review status: criteria provided, single submitter. Criteria: ACMG Guidelines, 2015. Collection method: clinical testing. Allele origin: germline. Affected: no.

GeneDx
Classification: Benign. Last evaluated: 2018-06-16. Review status: criteria provided, single submitter. Criteria: GeneDx Variant Classification (06012015). Collection method: clinical testing. Allele origin: germline. Affected: yes.
Comment: This variant is considered likely benign or benign based on one or more of the following criteria: it is a conservative change, it occurs at a poorly conserved position in the protein, it is predicted to be benign by multiple in silico algorithms, and/or has population frequency not consistent with disease.

Breakthrough Genomics
Classification: Benign. Review status: criteria provided, single submitter. Criteria: ACMG Guidelines, 2015. Collection method: not provided. Allele origin: germline. Inheritance: Autosomal recessive inheritance. Affected: yes.

Genetic Services Laboratory, University of Chicago
Classification: Likely benign. Review status: no assertion criteria provided. Collection method: clinical testing. Allele origin: germline. Inheritance: Autosomal recessive inheritance. Not counted in ClinVar's aggregate classification.
Comment: Likely benign based on allele frequency in 1000 Genomes Project or ESP global frequency and its presence in a patient with a rare or unrelated disease phenotype. NOT Sanger confirmed